The following is an entry in ClinVar:

NM_000443.4(ABCB4):c.1034T>G (p.Phe345Cys)

Gene: ABCB4 (ATP binding cassette subfamily B member 4; minus strand). Cytogenetic location: 7q21.12.
Variant type: single nucleotide variant.
Coding change: c.1034T>G on transcript NM_000443.4 (MANE Select); coding-DNA position 1034, T replaced by G.
Protein change: p.Phe345Cys; replaces phenylalanine 345 with cysteine.
Molecular consequence: missense variant.
Genome position (GRCh38, 1-based): chr7:87,444,947, A>C on the plus strand (T>G on the coding strand, the complement: ABCB4 is on the minus strand). VCF-style: chr7-87444947-A-C. GRCh37 (hg19) VCF-style: chr7-87074263-A-C.
Other names: c.1034T>G, p.Phe345Cys (NM_018849.3, NM_018850.3); short protein forms F345C.
Identifiers: ClinVar variation 4999315 (VCV004999315.1).

ClinVar aggregate classification (germline): Uncertain significance (1 of 4 stars; one submission).

Conditions:
ABCB4-related disorder. Also called: ABCB4-related disorders; ABCB4-related condition.

gnomAD v4.1: 1 of 1,605,556 alleles (0.000062%); highest among the groups gnomAD compares: African/African-American, 0.0013%; no homozygotes.

Submission:

PreventionGenetics, part of Exact Sciences
Classification: Uncertain significance for ABCB4-related condition. Last evaluated: 2025-05-22. Review status: criteria provided, single submitter. Criteria: ACMG Guidelines, 2015. Collection method: clinical testing. Allele origin: germline.
Comment: The ABCB4 c.1034T>G variant is predicted to result in the amino acid substitution p.Phe345Cys. To our knowledge, this variant has not been reported in the literature. This variant is reported in 0.011% of alleles in individuals of African descent in gnomAD. At this time, the clinical significance of this variant is uncertain due to the absence of conclusive functional and genetic evidence.